The following is an entry in ClinVar:

NM_170601.5(SIAE):c.1019G>A (p.Arg340His)

Gene: SIAE (sialic acid acetylesterase; minus strand). Cytogenetic location: 11q24.2.
Variant type: single nucleotide variant.
Coding change: c.1019G>A on transcript NM_170601.5 (MANE Select); coding-DNA position 1019, G replaced by A.
Protein change: p.Arg340His; replaces arginine 340 with histidine.
Molecular consequence: missense variant.
Genome position (GRCh38, 1-based): chr11:124,639,815, C>T on the plus strand (G>A on the coding strand, the complement: SIAE is on the minus strand). VCF-style: chr11-124639815-C-T. GRCh37 (hg19) VCF-style: chr11-124509711-C-T.
Other names: c.914G>A, p.Arg305His (NM_001199922.2); short protein forms R340H, R305H.
Identifiers: ClinVar variation 1491935 (VCV001491935.6), dbSNP rs771710413, ClinGen allele CA6341322.
Genomic context (GRCh38, chr11:124,639,815, plus strand): 5'-ATGAAAGTATTGGGCATCTTTGGGTTGGGGACATAGCCGAAGTCTGCTGTTTGATGCCAA[C>T]GGATCTGGGGAAATCCATCGTCTGAGCTCTTCTTAGACAAATCTGAAGATAACTAGAAAG-3'
Protein context (NP_733746.1, residues 330-350): KSSDDGFPQI[Arg340His]WHQTADFGYV

ClinVar aggregate classification (germline): Uncertain significance (1 of 4 stars; one submission).

Allele frequency attached by ClinVar (database versions not stated): gnomAD exomes 0.00004; gnomAD 0.00005 and 0.00006; TOPMed 0.00005; ExAC 0.00006.
gnomAD v4.1: 38 of 1,614,088 alleles (0.0024%); highest among the groups gnomAD compares: African/African-American, 0.0053%; no homozygotes.

Submission:

Labcorp Genetics (formerly Invitae), Labcorp
Classification: Uncertain significance. Last evaluated: 2026-01-02. Review status: criteria provided, single submitter. Criteria: Invitae Variant Classification Sherloc (09022015). Collection method: clinical testing. Allele origin: germline.
Comment: This sequence change replaces arginine, which is basic and polar, with histidine, which is basic and polar, at codon 340 of the SIAE protein (p.Arg340His). This variant is present in population databases (rs771710413, gnomAD 0.008%). This variant has not been reported in the literature in individuals affected with SIAE-related conditions. ClinVar contains an entry for this variant (Variation ID: 1491935). An algorithm developed to predict the effect of missense changes on protein structure and function (PolyPhen-2) suggests that this variant is likely to be disruptive. In summary, the available evidence is currently insufficient to determine the role of this variant in disease. Therefore, it has been classified as a Variant of Uncertain Significance.